The following is an entry in ClinVar:

NM_000059.4(BRCA2):c.6288_6289del (p.Thr2097fs)

Gene: BRCA2 (BRCA2 DNA repair associated; plus strand). Cytogenetic location: 13q13.1.
Variant type: Deletion.
Coding change: c.6288_6289del on transcript NM_000059.4 (MANE Select); coding-DNA positions 6288 to 6289, 2 bases deleted (TA; older notation c.6288_6289delTA).
Protein change: p.Thr2097fs; shifts the reading frame from threonine 2097.
Molecular consequence: frameshift variant.
Genome position (GRCh38, 1-based): chr13:32,340,643-32,340,644, TA deleted. VCF-style (leftmost placement, unchanged base first): chr13-32340642-CTA-C. GRCh37 (hg19) VCF-style: chr13-32914779-CTA-C.
Other names: short protein forms T2097fs.
Identifiers: ClinVar variation 3382670 (VCV003382670.3).

ClinVar aggregate classification (germline): Pathogenic (1 of 4 stars; one submission).

Conditions:
Familial cancer of breast. Also called: BREAST CANCER, FAMILIAL; hereditary breast carcinoma; Hereditary breast cancer. Identifiers: Orphanet 227535, MedGen C0346153, MONDO:0016419, OMIM 114480. Disease mechanism: loss of function.
Breast-ovarian cancer, familial, susceptibility to, 2 (BROVCA2). Also called: BRCA2 Hereditary Breast and Ovarian Cancer. Identifiers: Orphanet 145, MedGen C2675520, MONDO:0012933, OMIM 612555. Disease mechanism: loss of function.

Submission:

Juno Genomics, Hangzhou Juno Genomics, Inc
Classification: Pathogenic for Familial cancer of breast; Breast-ovarian cancer, familial, susceptibility to, 2. Review status: criteria provided, single submitter. Criteria: ACMG Guidelines, 2015. Collection method: clinical testing. Allele origin: germline.
Comment: Absent from controls (or at extremely low frequency if recessive) in Genome Aggregation Database.;Null variant in a gene where loss of function (LOF) is a known mechanism of disease.;The prevalence of the variant in affected individuals is significantly increased compared to the prevalence in controls.